The following is an entry in ClinVar:

NM_007146.3(VEZF1):c.1008GCA[8] (p.Gln350_Gln354del)

Gene: VEZF1 (vascular endothelial zinc finger 1; minus strand). Cytogenetic location: 17q22.
Variant type: Microsatellite.
Coding change: c.1008GCA[8] on transcript NM_007146.3 (MANE Select); eight copies in a row of the 3-base unit GCA starting at c.1008; the reference has 13 copies in a row; five copies, 15 bases deleted.
Protein change: p.Gln350_Gln354del.
Molecular consequence: inframe deletion.
Genome position (GRCh38, 1-based): chr17:57,979,244-57,979,258, TGCTGCTGCTGCTGC deleted on the plus strand (GCAGCAGCAGCAGCA on the coding strand, the reverse complement: VEZF1 is on the minus strand); deleting any 15 consecutive bases within chr17:57,979,244-57,979,283 gives the same sequence; the position shown is the placement nearest the transcript's 3' end. VCF-style (leftmost placement, unchanged base first): chr17-57979243-TTGCTGCTGCTGCTGC-T. GRCh37 (hg19) VCF-style: chr17-56056604-TTGCTGCTGCTGCTGC-T.
Other names: c.981GCA[8], p.Gln341_Gln345del (NM_001330393.2); c.1032_1046del15 (NM_007146.2).
Identifiers: ClinVar variation 2647952 (VCV002647952.26), dbSNP rs57786397, ClinGen allele CA501005802.

ClinVar aggregate classification (germline): Likely benign. Review status: criteria provided, multiple submitters, no conflicts (2 of 4 stars). 3 submissions from 3 submitters: Likely benign (2). 1 of the submissions does not count toward it. Last evaluated 2025-02-16.

Conditions:
VEZF1-related disorder. Also called: VEZF1-related condition.

Submissions (3):

Laboratory of Genetics, Children's Clinical University Hospital Latvia
Classification: Likely benign. Last evaluated: 2025-02-16. Review status: criteria provided, single submitter. Criteria: ACMG Guidelines, 2015. Collection method: clinical testing. Allele origin: germline. Affected: yes.

CeGaT Center for Human Genetics Tuebingen
Classification: Likely benign. Last evaluated: 2024-06-01. Review status: criteria provided, single submitter. Criteria: CeGaT Center For Human Genetics Tuebingen Variant Classification Criteria Version 2. Collection method: clinical testing. Allele origin: germline. Affected: yes. Observed: 2 variant alleles.
Comment: VEZF1: BP3

PreventionGenetics, part of Exact Sciences
Classification: Likely benign for VEZF1-related condition. Last evaluated: 2022-04-06. Review status: no assertion criteria provided. Collection method: clinical testing. Allele origin: germline. Not counted in ClinVar's aggregate classification.
Comment: This variant is classified as likely benign based on ACMG/AMP sequence variant interpretation guidelines (Richards et al. 2015 PMID: 25741868, with internal and published modifications).